The following is an entry in ClinVar:

ClinVar aggregate classification (germline): Pathogenic. Review status: criteria provided, multiple submitters, no conflicts (2 of 4 stars). 4 submissions from 4 submitters: Pathogenic (4). Last evaluated 2026-02-04.

Conditions:
Familial hemophagocytic lymphohistiocytosis (FHL). Also called: Hereditary hemophagocytic lymphohistiocytosis; Familial erythrophagocytic lymphohistiocytosis; Familial histiocytic reticulosis. Identifiers: Orphanet 158038, Orphanet 540, MedGen C0272199, MONDO:0015541.
Familial hemophagocytic lymphohistiocytosis 2 (FHL2). Also called: PRF1-Related Familial Hemophagocytic Lymphohistiocytosis (PRF1-fHLH). Identifiers: Orphanet 540, MedGen C1863727, MONDO:0011337, OMIM 603553.
Aplastic anemia. Identifiers: Orphanet 182040, Orphanet 88, MedGen C0002874, MONDO:0015909, OMIM 609135, HP:0001915.

gnomAD v4.1: 7 of 1,614,224 alleles (0.00043%); highest among the groups gnomAD compares: Non-Finnish European, 0.00017%; no homozygotes.

Submissions (4):

Labcorp Genetics (formerly Invitae), Labcorp
Classification: Pathogenic for Familial hemophagocytic lymphohistiocytosis 2. Last evaluated: 2026-02-04. Review status: criteria provided, single submitter. Criteria: Invitae Variant Classification Sherloc (09022015). Collection method: clinical testing. Allele origin: germline.
Comment: This sequence change creates a premature translational stop signal (p.Ser150*) in the PRF1 gene. It is expected to result in an absent or disrupted protein product. Loss-of-function variants in PRF1 are known to be pathogenic (PMID: 1156555, 16860143). This variant is present in population databases (rs773267292, gnomAD 0.04%). This premature translational stop signal has been observed in individual(s) with hemophagocytic lymphohistiocytosis (PMID: 14757862). This variant is also known as S150X. ClinVar contains an entry for this variant (Variation ID: 2055336). For these reasons, this variant has been classified as Pathogenic.

Myriad Genetics, Inc.
Classification: Pathogenic for Familial hemophagocytic lymphohistiocytosis 2. Last evaluated: 2025-09-23. Review status: criteria provided, single submitter. Criteria: Myriad Autosomal Dominant, Autosomal Recessive and X-Linked Classification Criteria (2023). Collection method: clinical testing. Allele origin: unknown.
Comment: NM_001083116.1(PRF1):c.449C>A(S150*) is a nonsense variant classified as pathogenic in the context of familial hemophagocytic lymphohistiocytosis, PRF1-related. S150* has not been observed in cases with relevant disease. Relevant functional assessments of this variant are not available in the literature. S150* has been observed in referenced population frequency databases. In summary, NM_001083116.1(PRF1):c.449C>A(S150*) is a nonsense variant in a gene where loss of function is a known mechanism of disease and is predicted to disrupt protein function. Please note: this variant was assessed in the context of healthy population screening.

Baylor Genetics
Classification: Pathogenic for Aplastic anemia. Last evaluated: 2024-01-16. Review status: criteria provided, single submitter. Criteria: ACMG Guidelines, 2015. Collection method: clinical testing. Allele origin: unknown.

Women's Health and Genetics/Laboratory Corporation of America, LabCorp
Classification: Pathogenic for Familial hemophagocytic lymphohistiocytosis. Last evaluated: 2023-08-08. Review status: criteria provided, single submitter. Criteria: LabCorp Variant Classification Summary - May 2015. Collection method: clinical testing. Allele origin: germline.
Comment: Variant summary: PRF1 c.449C>A (p.Ser150X) results in a premature termination codon, predicted to cause a truncation of the encoded protein or absence of the protein due to nonsense mediated decay, which are commonly known mechanisms for disease. Variants downstream of this position have been classified as pathogenic by our laboratory. The variant allele was found at a frequency of 2e-05 in 251434 control chromosomes (gnomAD). c.449C>A has been reported in the literature in individuals affected with Familial Hemophagocytic Lymphohistiocytosis (Molleran_2004, Risma_2005). These data indicate that the variant may be associated with disease. To our knowledge, no experimental evidence demonstrating an impact on protein function has been reported. The following publications have been ascertained in the context of this evaluation (PMID: 14757862, 16374518, 32696691). One submitter has cited clinical-significance assessments for this variant to ClinVar after 2014 and has classified the variant as pathogenic. Based on the evidence outlined above, the variant was classified as pathogenic.

Literature cited by the submitters: PubMed 1156555 (cited by Labcorp Genetics (formerly Invitae), Labcorp); PubMed 16860143 (cited by Labcorp Genetics (formerly Invitae), Labcorp); PubMed 14757862 (cited by Labcorp Genetics (formerly Invitae), Labcorp and Women's Health and Genetics/Laboratory Corporation of America, LabCorp); PubMed 16374518 (cited by Women's Health and Genetics/Laboratory Corporation of America, LabCorp); PubMed 32696691 (cited by Women's Health and Genetics/Laboratory Corporation of America, LabCorp).

NM_001083116.3(PRF1):c.449C>A (p.Ser150Ter)

Gene: PRF1 (perforin 1; minus strand). Cytogenetic location: 10q22.1.
Variant type: single nucleotide variant.
Coding change: c.449C>A on transcript NM_001083116.3 (MANE Select); coding-DNA position 449, C replaced by A.
Protein change: p.Ser150Ter; replaces serine 150 with a stop codon.
Molecular consequence: nonsense.
Genome position (GRCh38, 1-based): chr10:70,600,454, G>T on the plus strand (C>A on the coding strand, the complement: PRF1 is on the minus strand). VCF-style: chr10-70600454-G-T. GRCh37 (hg19) VCF-style: chr10-72360210-G-T.
Other names: c.449C>A, p.Ser150Ter (NM_005041.6); short protein forms S150*.
Identifiers: ClinVar variation 2055336 (VCV002055336.8), dbSNP rs773267292, ClinGen allele CA5539030.
Genomic context (GRCh38, chr10:70,600,454, plus strand): 5'-CTGAAGCTGTACTGGTCCTGGTGGGTCTTCTGGGCTGCAAAGTTGGCTGCCTGTGAGTGT[G>T]AGCCGGCCACAGACACATGCACATTGCTGGTGGGCTTAGGAGTCACGTCCAGCCCGACCT-3'